The following is an entry in ClinVar:

NM_001099274.3(TINF2):c.554C>T (p.Ser185Phe)

Gene: TINF2 (TERF1 interacting nuclear factor 2; minus strand). Cytogenetic location: 14q12.
Variant type: single nucleotide variant.
Coding change: c.554C>T on transcript NM_001099274.3 (MANE Select); coding-DNA position 554, C replaced by T.
Protein change: p.Ser185Phe; replaces serine 185 with phenylalanine.
Molecular consequence: missense variant.
Genome position (GRCh38, 1-based): chr14:24,241,070, G>A on the plus strand (C>T on the coding strand, the complement: TINF2 is on the minus strand). VCF-style: chr14-24241070-G-A. GRCh37 (hg19) VCF-style: chr14-24710276-G-A.
Other names: c.449C>T, p.Ser150Phe (NM_001363668.2); c.554C>T, p.Ser185Phe (NM_012461.3); short protein forms S150F, S185F.
Identifiers: ClinVar variation 4739472 (VCV004739472.1).

ClinVar aggregate classification (germline): Uncertain significance (1 of 4 stars; one submission).

Conditions:
Dyskeratosis congenita. Identifiers: Orphanet 1775, MedGen C0265965, MONDO:0015780.

gnomAD v4.1: 4 of 1,614,166 alleles (0.00025%); highest among the groups gnomAD compares: South Asian, 0.0033%; no homozygotes.

Submission:

Labcorp Genetics (formerly Invitae), Labcorp
Classification: Uncertain significance for Dyskeratosis congenita. Last evaluated: 2025-05-19. Review status: criteria provided, single submitter. Criteria: Invitae Variant Classification Sherloc (09022015). Collection method: clinical testing. Allele origin: germline.
Comment: This sequence change replaces serine, which is neutral and polar, with phenylalanine, which is neutral and non-polar, at codon 185 of the TINF2 protein (p.Ser185Phe). This variant is present in population databases (no rsID available, gnomAD 0.01%). This variant has not been reported in the literature in individuals affected with TINF2-related conditions. An algorithm developed to predict the effect of missense changes on protein structure and function (PolyPhen-2) suggests that this variant is likely to be disruptive. In summary, the available evidence is currently insufficient to determine the role of this variant in disease. Therefore, it has been classified as a Variant of Uncertain Significance.